The following is an entry in ClinVar:

ClinVar aggregate classification (germline): Uncertain significance (1 of 4 stars; one submission).

Conditions:
Cardiovascular phenotype. Identifiers: MedGen CN230736.

Submission:

Ambry Genetics
Classification: Uncertain significance for Cardiovascular phenotype. Last evaluated: 2025-06-17. Review status: criteria provided, single submitter. Criteria: Ambry Variant Classification Scheme 2023. Collection method: clinical testing. Allele origin: germline.
Comment: The p.I665M variant (also known as c.1995C>G), located in coding exon 13 of the ABCG8 gene, results from a C to G substitution at nucleotide position 1995. The isoleucine at codon 665 is replaced by methionine, an amino acid with highly similar properties. This amino acid position is conserved. In addition, this alteration is predicted to be tolerated by in silico analysis. Based on the available evidence, the clinical significance of this variant remains unclear.

NM_022437.3(ABCG8):c.1995C>G (p.Ile665Met)

Gene: ABCG8 (ATP binding cassette subfamily G member 8; plus strand). Cytogenetic location: 2p21.
Variant type: single nucleotide variant.
Coding change: c.1995C>G on transcript NM_022437.3 (MANE Select); coding-DNA position 1995, C replaced by G.
Protein change: p.Ile665Met; replaces isoleucine 665 with methionine.
Molecular consequence: missense variant.
Genome position (GRCh38, 1-based): chr2:43,877,886, C>G. VCF-style: chr2-43877886-C-G. GRCh37 (hg19) VCF-style: chr2-44105025-C-G.
Other names: c.1992C>G, p.Ile664Met (NM_001357321.2); short protein forms I664M, I665M.
Identifiers: ClinVar variation 4150047 (VCV004150047.1).